The following is an entry in ClinVar:

NM_004415.4(DSP):c.2275G>T (p.Val759Phe)

Gene: DSP (desmoplakin; plus strand). Cytogenetic location: 6p24.3.
Variant type: single nucleotide variant.
Coding change: c.2275G>T on transcript NM_004415.4 (MANE Select); coding-DNA position 2275, G replaced by T.
Protein change: p.Val759Phe; replaces valine 759 with phenylalanine.
Molecular consequence: missense variant.
Genome position (GRCh38, 1-based): chr6:7,574,230, G>T. VCF-style: chr6-7574230-G-T. GRCh37 (hg19) VCF-style: chr6-7574463-G-T.
Other names: c.2275G>T, p.Val759Phe (NM_001008844.3, NM_001319034.2); short protein forms V759F.
Identifiers: ClinVar variation 1990566 (VCV001990566.4), dbSNP rs745544854, ClinGen allele CA362680957.

ClinVar aggregate classification (germline): Uncertain significance (1 of 4 stars; one submission).

Conditions:
Arrhythmogenic right ventricular dysplasia 8 (ARVD8). Also called: ARRHYTHMOGENIC RIGHT VENTRICULAR DYSPLASIA, FAMILIAL, 8; Arrhythmogenic Right Ventricular Dysplasia/Cardiomyopathy 8; ARRHYTHMOGENIC RIGHT VENTRICULAR CARDIOMYOPATHY 8. Identifiers: MedGen C1843896, MONDO:0011831, OMIM 607450.
Arrhythmogenic cardiomyopathy with wooly hair and keratoderma. Also called: PALMOPLANTAR KERATODERMA WITH LEFT VENTRICULAR CARDIOMYOPATHY AND WOOLLY HAIR; Carvajal syndrome; Arrhythmogenic cardiomyopathy with woolly hair and keratoderma; Dilated cardiomyopathy with woolly hair and keratoderma. Identifiers: Orphanet 65282, MedGen C1854063, MONDO:0011581, OMIM 605676.

Submission:

Labcorp Genetics (formerly Invitae), Labcorp
Classification: Uncertain significance for Arrhythmogenic cardiomyopathy with wooly hair and keratoderma; Arrhythmogenic right ventricular dysplasia 8. Last evaluated: 2025-01-21. Review status: criteria provided, single submitter. Criteria: Invitae Variant Classification Sherloc (09022015). Collection method: clinical testing. Allele origin: germline.
Comment: This sequence change replaces valine, which is neutral and non-polar, with phenylalanine, which is neutral and non-polar, at codon 759 of the DSP protein (p.Val759Phe). This variant is not present in population databases (gnomAD no frequency). This variant has not been reported in the literature in individuals affected with DSP-related conditions. ClinVar contains an entry for this variant (Variation ID: 1990566). An algorithm developed to predict the effect of missense changes on protein structure and function (PolyPhen-2) suggests that this variant is likely to be tolerated. In summary, the available evidence is currently insufficient to determine the role of this variant in disease. Therefore, it has been classified as a Variant of Uncertain Significance.